The following is an entry in ClinVar:

ClinVar aggregate classification (germline): Conflicting classifications of pathogenicity. Review status: criteria provided, conflicting classifications (1 of 4 stars). 3 submissions from 3 submitters: Uncertain significance (2); Likely benign (1). Last evaluated 2024-08-29.

Conditions:
Catecholaminergic polymorphic ventricular tachycardia 1. Also called: VENTRICULAR TACHYCARDIA, CATECHOLAMINERGIC POLYMORPHIC, 1, WITH OR WITHOUT ATRIAL DYSFUNCTION AND/OR DILATED CARDIOMYOPATHY; VENTRICULAR TACHYCARDIA, STRESS-INDUCED POLYMORPHIC 1; RYR2-Related Catecholaminergic Polymorphic Ventricular Tachycardia. Identifiers: Orphanet 3286, MedGen C1631597, MONDO:0011484, OMIM 604772.
Cardiovascular phenotype. Identifiers: MedGen CN230736.
Cardiomyopathy (CMYO). Also called: Cardiomyopathies. Identifiers: Orphanet 167848, MedGen C0878544, MONDO:0004994, HP:0001638. Inheritance: Various modes of inheritance.

Allele frequency attached by ClinVar (database versions not stated): gnomAD exomes below 0.00001; TOPMed below 0.00001.
gnomAD v4.1: 2 of 1,612,496 alleles (0.00012%); highest among the groups gnomAD compares: Non-Finnish European, 0.00017%; no homozygotes.

Submissions (3):

Ambry Genetics
Classification: Likely benign for Cardiovascular phenotype. Last evaluated: 2024-08-29. Review status: criteria provided, single submitter. Criteria: Ambry Variant Classification Scheme 2023. Collection method: clinical testing. Allele origin: germline.

Color Diagnostics, LLC DBA Color Health
Classification: Uncertain significance for Cardiomyopathy. Last evaluated: 2024-03-07. Review status: criteria provided, single submitter. Criteria: ACMG Guidelines, 2015. Collection method: clinical testing. Allele origin: germline.
Comment: This missense variant replaces asparagine with threonine at codon 3200 of the RYR2 protein. Computational prediction tool suggests that this variant may not impact protein structure and function (internally defined REVEL score threshold <=0.5, PMID: 27666373). Splice site prediction tools suggest that this variant may not impact RNA splicing. To our knowledge, functional studies have not been performed for this variant. This variant has not been reported in individuals affected with cardiovascular disorders in the literature. This variant has not been identified in the general population by the Genome Aggregation Database (gnomAD). The available evidence is insufficient to determine the role of this variant in disease conclusively. Therefore, this variant is classified as a Variant of Uncertain Significance.

Labcorp Genetics (formerly Invitae), Labcorp
Classification: Uncertain significance for Catecholaminergic polymorphic ventricular tachycardia 1. Last evaluated: 2024-01-11. Review status: criteria provided, single submitter. Criteria: Invitae Variant Classification Sherloc (09022015). Collection method: clinical testing. Allele origin: germline.
Comment: This sequence change replaces asparagine, which is neutral and polar, with threonine, which is neutral and polar, at codon 3200 of the RYR2 protein (p.Asn3200Thr). This variant is not present in population databases (gnomAD no frequency). This variant has not been reported in the literature in individuals affected with RYR2-related conditions. ClinVar contains an entry for this variant (Variation ID: 925993). Advanced modeling of protein sequence and biophysical properties (such as structural, functional, and spatial information, amino acid conservation, physicochemical variation, residue mobility, and thermodynamic stability) performed at Invitae indicates that this missense variant is not expected to disrupt RYR2 protein function with a negative predictive value of 95%. In summary, the available evidence is currently insufficient to determine the role of this variant in disease. Therefore, it has been classified as a Variant of Uncertain Significance.

NM_001035.3(RYR2):c.9599A>C (p.Asn3200Thr)

Gene: RYR2 (ryanodine receptor 2; plus strand). Cytogenetic location: 1q43.
Variant type: single nucleotide variant.
Coding change: c.9599A>C on transcript NM_001035.3 (MANE Select); coding-DNA position 9599, A replaced by C.
Protein change: p.Asn3200Thr; replaces asparagine 3200 with threonine.
Molecular consequence: missense variant.
Genome position (GRCh38, 1-based): chr1:237,706,967, A>C. VCF-style: chr1-237706967-A-C. GRCh37 (hg19) VCF-style: chr1-237870267-A-C.
Other names: c.9599A>C (NM_001035.2); short protein forms N3200T.
Identifiers: ClinVar variation 925993 (VCV000925993.8), dbSNP rs1688433173, ClinGen allele CA345408307.